The following is an entry in ClinVar:

ClinVar aggregate classification (germline): Likely benign (1 of 4 stars; one submission).

Submission:

CeGaT Center for Human Genetics Tuebingen
Classification: Likely benign. Last evaluated: 2023-01-01. Review status: criteria provided, single submitter. Criteria: CeGaT Center For Human Genetics Tuebingen Variant Classification Criteria Version 2. Collection method: clinical testing. Allele origin: germline. Affected: yes. Observed: 2 variant alleles.
Comment: RBCK1: BS1

NM_031229.4(RBCK1):c.756+334_756+353del

Gene: RBCK1 (RANBP2-type and C3HC4-type zinc finger containing 1; plus strand). Cytogenetic location: 20p13.
Variant type: Microsatellite.
Coding change: c.756+334_756+353del on transcript NM_031229.4 (MANE Select); bases 334 to 353 of the intron after coding-DNA position 756, 20 bases deleted (CCAGCACCCTAGCCATGACC).
Molecular consequence: intron variant.
Genome position (GRCh38, 1-based): chr20:420,065-420,084, CCAGCACCCTAGCCATGACC deleted; deleting any 20 consecutive bases within chr20:420,036-420,084 gives the same sequence; the c. name uses the placement nearest the transcript's 3' end. VCF-style (leftmost placement, unchanged base first): chr20-420035-GGCCATGACCCCAGCACCCTA-G. GRCh37 (hg19) VCF-style: chr20-400679-GGCCATGACCCCAGCACCCTA-G.
Other names: c.807+334_807+353del (NM_001410770.1); c.407+334_407+353del (NM_001323956.2, NM_001323958.2); c.630+334_630+353del (NM_006462.6).
Identifiers: ClinVar variation 2652126 (VCV002652126.24), dbSNP rs570517854, ClinGen allele CA310620358.